The following is an entry in ClinVar:

ClinVar aggregate classification (germline): Benign/Likely benign. Review status: criteria provided, multiple submitters, no conflicts (2 of 4 stars). 4 submissions from 4 submitters: Benign (1); Likely benign (3). Last evaluated 2026-01-11.

Conditions:
Hereditary cancer-predisposing syndrome. Also called: Tumor predisposition; Hereditary Cancer Syndrome; Hereditary neoplastic syndrome; Neoplastic Syndromes, Hereditary. Identifiers: Orphanet 140162, MedGen C0027672, MeSH D009386, MONDO:0015356.
Peutz-Jeghers syndrome (PJS). Also called: POLYPOSIS, HAMARTOMATOUS INTESTINAL; POLYPS-AND-SPOTS SYNDROME; Peutz-Jeghers polyposis; Periorificial lentiginosis syndrome. Identifiers: Orphanet 2869, MedGen C0031269, MeSH D010580, MONDO:0008280, OMIM 175200.

Allele frequency attached by ClinVar (database versions not stated): gnomAD exomes below 0.00001 and 0.00001; ExAC 0.00001.
gnomAD v4.1: 9 of 1,612,344 alleles (0.00056%); highest among the groups gnomAD compares: South Asian, 0.0022%; no homozygotes.

Submissions (4):

Labcorp Genetics (formerly Invitae), Labcorp
Classification: Likely benign for Peutz-Jeghers syndrome. Last evaluated: 2026-01-11. Review status: criteria provided, single submitter. Criteria: Invitae Variant Classification Sherloc (09022015). Collection method: clinical testing. Allele origin: germline.

Myriad Genetics, Inc.
Classification: Benign for Peutz-Jeghers syndrome. Last evaluated: 2025-03-25. Review status: criteria provided, single submitter. Criteria: Myriad Autosomal Dominant, Autosomal Recessive and X-Linked Classification Criteria (2023). Collection method: clinical testing. Allele origin: unknown.
Comment: This variant is considered benign. This variant is a silent/synonymous amino acid change and it is not expected to impact splicing.

GeneDx
Classification: Likely benign. Last evaluated: 2018-05-10. Review status: criteria provided, single submitter. Criteria: GeneDx Variant Classification Process June 2021. Collection method: clinical testing. Allele origin: germline. Affected: yes.

Ambry Genetics
Classification: Likely benign for Hereditary cancer-predisposing syndrome. Last evaluated: 2014-08-27. Review status: criteria provided, single submitter. Criteria: Ambry Variant Classification Scheme 2023. Collection method: clinical testing. Allele origin: germline.

NM_000455.5(STK11):c.246G>A (p.Lys82=)

Gene: STK11 (serine/threonine kinase 11; plus strand). Cytogenetic location: 19p13.3.
Variant type: single nucleotide variant.
Coding change: c.246G>A on transcript NM_000455.5 (MANE Select); coding-DNA position 246, G replaced by A.
Protein change: p.Lys82=; no amino-acid change (lysine 82 retained).
Molecular consequence: synonymous variant.
Genome position (GRCh38, 1-based): chr19:1,207,159, G>A. VCF-style: chr19-1207159-G-A. GRCh37 (hg19) VCF-style: chr19-1207158-G-A.
Identifiers: ClinVar variation 183958 (VCV000183958.17), dbSNP rs759751510, ClinGen allele CA022746.